The following is an entry in ClinVar:

ClinVar aggregate classification (germline): Uncertain significance (1 of 4 stars; one submission).

Allele frequency attached by ClinVar (database versions not stated): gnomAD exomes 0.00001; TOPMed 0.00001; gnomAD 0.00002.

Submission:

Labcorp Genetics (formerly Invitae), Labcorp
Classification: Uncertain significance. Last evaluated: 2025-12-16. Review status: criteria provided, single submitter. Criteria: Invitae Variant Classification Sherloc (09022015). Collection method: clinical testing. Allele origin: germline.
Comment: This sequence change replaces glycine, which is neutral and non-polar, with serine, which is neutral and polar, at codon 47 of the CFB protein (p.Gly47Ser). This variant is not present in population databases (gnomAD no frequency). This variant has not been reported in the literature in individuals affected with CFB-related conditions. ClinVar contains an entry for this variant (Variation ID: 1472432). Invitae Evidence Modeling of protein sequence and biophysical properties (such as structural, functional, and spatial information, amino acid conservation, physicochemical variation, residue mobility, and thermodynamic stability) indicates that this missense variant is expected to disrupt CFB protein function with a positive predictive value of 80%. In summary, the available evidence is currently insufficient to determine the role of this variant in disease. Therefore, it has been classified as a Variant of Uncertain Significance.

NM_001710.6(CFB):c.139G>A (p.Gly47Ser)

Gene: CFB (complement factor B; plus strand). Cytogenetic location: 6p21.33.
Variant type: single nucleotide variant.
Coding change: c.139G>A on transcript NM_001710.6 (MANE Select); coding-DNA position 139, G replaced by A.
Protein change: p.Gly47Ser; replaces glycine 47 with serine.
Molecular consequence: missense variant.
Genome position (GRCh38, 1-based): chr6:31,946,447, G>A. VCF-style: chr6-31946447-G-A. GRCh37 (hg19) VCF-style: chr6-31914224-G-A.
Other names: short protein forms G47S.
Identifiers: ClinVar variation 1472432 (VCV001472432.6), dbSNP rs1278426727, ClinGen allele CA363388300.